The following is an entry in ClinVar:

ClinVar aggregate classification (germline): Uncertain significance (1 of 4 stars; one submission).

Conditions:
Multiple endocrine neoplasia, type 1 (MEN1). Also called: MEN I; WERMER SYNDROME; Endocrine adenomatosis multiple; MEN 1; MEA I. Identifiers: Orphanet 652, MedGen C0025267, MeSH D018761, MONDO:0007540, OMIM 131100.

Submission:

Labcorp Genetics (formerly Invitae), Labcorp
Classification: Uncertain significance for Multiple endocrine neoplasia, type 1. Last evaluated: 2023-09-10. Review status: criteria provided, single submitter. Criteria: Invitae Variant Classification Sherloc (09022015). Collection method: clinical testing. Allele origin: germline.
Comment: This variant, c.1382_1390dup, results in the insertion of 3 amino acid(s) of the MEN1 protein (p.Glu461_Glu463dup), but otherwise preserves the integrity of the reading frame. In summary, the available evidence is currently insufficient to determine the role of this variant in disease. Therefore, it has been classified as a Variant of Uncertain Significance. Experimental studies and prediction algorithms are not available or were not evaluated, and the functional significance of this variant is currently unknown. This variant has been observed in individual(s) with primary hyperparathyroidism (PMID: 30339208). This variant is not present in population databases (gnomAD no frequency).

Literature cited by the submitters: PubMed 30339208.

NM_001370259.2(MEN1):c.1382_1390dup (p.Glu463_Ala464insGluAlaGlu)

Gene: MEN1 (menin 1; minus strand). Cytogenetic location: 11q13.1.
Variant type: Duplication.
Coding change: c.1382_1390dup on transcript NM_001370259.2 (MANE Select); coding-DNA positions 1382 to 1390, 9 bases duplicated (AGGCCGAGG; older notation c.1382_1390dupAGGCCGAGG).
Protein change: p.Glu463_Ala464insGluAlaGlu.
Molecular consequence: inframe insertion. On other transcripts: non-coding transcript variant (4).
Genome position (GRCh38, 1-based): chr11:64,804,777-64,804,785, CCTCGGCCT duplicated on the plus strand (AGGCCGAGG on the coding strand, the reverse complement: MEN1 is on the minus strand); duplicating any 9 consecutive bases within chr11:64,804,777-64,804,786 gives the same sequence; the c. name uses the placement nearest the transcript's 3' end. VCF-style (leftmost placement, unchanged base first): chr11-64804776-G-GCCTCGGCCT. GRCh37 (hg19) VCF-style: chr11-64572248-G-GCCTCGGCCT.
Other names: c.1397_1405dup, p.Glu468_Ala469insGluAlaGlu (NM_000244.4, NM_001407145.1, NM_130800.3 and 4 more transcripts); c.1508_1516dup, p.Glu505_Ala506insGluAlaGlu (NM_001370251.2, NM_001407142.1, NM_001407143.1 and 1 more transcripts); c.1382_1390dup, p.Glu463_Ala464insGluAlaGlu (NM_001370260.2, NM_001370261.2, NM_001407146.1 and 2 more transcripts); c.1277_1285dup, p.Glu428_Ala429insGluAlaGlu (NM_001370262.2, NM_001370263.2, NM_001407148.1 and 1 more transcripts); c.1523_1531dup, p.Glu510_Ala511insGluAlaGlu (NM_001407150.1); c.1403_1411dup, p.Glu470_Ala471insGluAlaGlu (NM_001407151.1); c.1217_1225dup, p.Glu408_Ala409insGluAlaGlu (NM_001407152.1).
Identifiers: ClinVar variation 2884037 (VCV002884037.3), dbSNP rs2497130066, ClinGen allele CA2695214535.